The following is an entry in ClinVar:

ClinVar aggregate classification (germline): Likely benign. Review status: criteria provided, single submitter (1 of 4 stars). 2 submissions from 2 submitters: Likely benign (1). 1 of the submissions does not count toward it. Last evaluated 2024-11-04.

Conditions:
EP300-related disorder. Also called: EP300-related condition; EP300-related disorders.
Rubinstein-Taybi syndrome due to EP300 haploinsufficiency. Also called: EP300-Related Rubinstein-Taybi Syndrome; RUBINSTEIN-TAYBI SYNDROME 2. Identifiers: Orphanet 353284, Orphanet 783, MedGen C3150941, MONDO:0013364, OMIM 613684.

Allele frequency attached by ClinVar (database versions not stated): gnomAD 0.00001; TOPMed 0.00005; 1000 Genomes Project 30x 0.00016; 1000 Genomes Project 0.00020.
gnomAD v4.1: 14 of 1,614,174 alleles (0.00087%); highest among the groups gnomAD compares: East Asian, 0.029%; no homozygotes.

Submissions (2):

Labcorp Genetics (formerly Invitae), Labcorp
Classification: Likely benign for Rubinstein-Taybi syndrome due to EP300 haploinsufficiency. Last evaluated: 2024-11-04. Review status: criteria provided, single submitter. Criteria: Invitae Variant Classification Sherloc (09022015). Collection method: clinical testing. Allele origin: germline.

PreventionGenetics, part of Exact Sciences
Classification: Uncertain significance for EP300-related condition. Last evaluated: 2024-05-23. Review status: no assertion criteria provided. Collection method: clinical testing. Allele origin: germline. Not counted in ClinVar's aggregate classification.
Comment: The EP300 c.7015C>T variant is predicted to result in the amino acid substitution p.His2339Tyr. To our knowledge, this variant has not been reported in the literature. This variant is reported in 0.043% of alleles in individuals of East Asian descent in gnomAD. Although we suspect that this variant may be benign, at this time, the clinical significance of this variant is uncertain due to the absence of conclusive functional and genetic evidence.

NM_001429.4(EP300):c.7015C>T (p.His2339Tyr)

Gene: EP300 (EP300 lysine acetyltransferase; plus strand). Cytogenetic location: 22q13.2.
Variant type: single nucleotide variant.
Coding change: c.7015C>T on transcript NM_001429.4 (MANE Select); coding-DNA position 7015, C replaced by T.
Protein change: p.His2339Tyr; replaces histidine 2339 with tyrosine.
Molecular consequence: missense variant.
Genome position (GRCh38, 1-based): chr22:41,178,726, C>T. VCF-style: chr22-41178726-C-T. GRCh37 (hg19) VCF-style: chr22-41574730-C-T.
Other names: c.6937C>T, p.His2313Tyr (NM_001362843.2); short protein forms H2313Y, H2339Y.
Identifiers: ClinVar variation 2634019 (VCV002634019.4), dbSNP rs183326303, ClinGen allele CA10254012.